The following is an entry in ClinVar:

ClinVar aggregate classification (germline): Uncertain significance (1 of 4 stars; one submission).

Allele frequency attached by ClinVar (database versions not stated): gnomAD exomes 0.00001.
gnomAD v4.1: 15 of 1,602,138 alleles (0.00094%); highest among the groups gnomAD compares: Non-Finnish European, 0.0013%; no homozygotes.

Submission:

Labcorp Genetics (formerly Invitae), Labcorp
Classification: Uncertain significance. Last evaluated: 2023-07-16. Review status: criteria provided, single submitter. Criteria: Invitae Variant Classification Sherloc (09022015). Collection method: clinical testing. Allele origin: germline.
Comment: An algorithm developed to predict the effect of missense changes on protein structure and function (PolyPhen-2) suggests that this variant is likely to be tolerated. In summary, the available evidence is currently insufficient to determine the role of this variant in disease. Therefore, it has been classified as a Variant of Uncertain Significance. This sequence change replaces tyrosine, which is neutral and polar, with aspartic acid, which is acidic and polar, at codon 30 of the IL6ST protein (p.Tyr30Asp). This variant is not present in population databases (gnomAD no frequency). This variant has not been reported in the literature in individuals affected with IL6ST-related conditions.

NM_002184.4(IL6ST):c.88T>G (p.Tyr30Asp)

Gene: IL6ST (interleukin 6 cytokine family signal transducer; minus strand). Cytogenetic location: 5q11.2.
Variant type: single nucleotide variant.
Coding change: c.88T>G on transcript NM_002184.4 (MANE Select); coding-DNA position 88, T replaced by G.
Protein change: p.Tyr30Asp; replaces tyrosine 30 with aspartic acid.
Molecular consequence: missense variant. On other transcripts: 5 prime UTR variant (3), non-coding transcript variant (2).
Genome position (GRCh38, 1-based): chr5:55,969,832, A>C on the plus strand (T>G on the coding strand, the complement: IL6ST is on the minus strand). VCF-style: chr5-55969832-A-C. GRCh37 (hg19) VCF-style: chr5-55265660-A-C.
Other names: c.-705T>G (NM_001364277.2, NM_001364279.2); c.-695T>G (NM_001364278.2); c.88T>G, p.Tyr30Asp (NM_175767.3, NM_001190981.2, NM_001364275.2 and 1 more transcripts); short protein forms Y30D.
Identifiers: ClinVar variation 2779614 (VCV002779614.3), dbSNP rs2533574140, ClinGen allele CA359771071.
Genomic context (GRCh38, chr5:55,969,832, plus strand): 5'-GCACACAAACTGCAGTGAAATTAGAATGAAGTTGTACAACTGGAGATTCAGGACTGATAT[A>C]ACCACATGGATCTAGAAGTTCACCTAAAAAGGAACAATAGAAAATATATAAATGGACTGA-3'
Protein context (NP_002175.2, residues 20-40): STGELLDPCG[Tyr30Asp]ISPESPVVQL